The following is an entry in ClinVar:

NM_198252.3(GSN):c.-9-2061T>C

Gene: GSN (gelsolin; plus strand). Cytogenetic location: 9q33.2.
Variant type: single nucleotide variant.
Coding change: c.-9-2061T>C on transcript NM_198252.3 (MANE Select); 2061 bases into the intron before 9 bases upstream of the start codon, T replaced by C.
Molecular consequence: intron variant. On other transcripts: missense variant (1).
Genome position (GRCh38, 1-based): chr9:121,299,902, T>C. VCF-style: chr9-121299902-T-C. GRCh37 (hg19) VCF-style: chr9-124062180-T-C.
Other names: c.41T>C, p.Leu14Pro (NM_000177.5); c.-9-2061T>C (NM_001353054.1, NM_001353053.1, NM_001353060.2 and 5 more transcripts); c.-47-154T>C (NM_001353064.2, NM_001353066.2, NM_001353072.2 and 8 more transcripts); c.-1-2069T>C (NM_001353058.2, NM_001353059.2, NM_001353056.2 and 1 more transcripts); c.-38-163T>C (NM_001353073.2, NM_001353065.2, NM_001353068.2 and 2 more transcripts); c.100-2061T>C (NM_001127663.2); c.-32-169T>C (NM_001353070.2); c.-48-2022T>C (NM_001353055.2); and 3 more; short protein forms L14P.
Identifiers: ClinVar variation 2785065 (VCV002785065.3), dbSNP rs2540474592, ClinGen allele CA374751593.

ClinVar aggregate classification (germline): Uncertain significance (1 of 4 stars; one submission).

Allele frequency attached by ClinVar (database versions not stated): gnomAD exomes below 0.00001.
gnomAD v4.1: 3 of 1,298,658 alleles (0.00023%); highest among the groups gnomAD compares: Non-Finnish European, 0.0003%; no homozygotes.

Submission:

Labcorp Genetics (formerly Invitae), Labcorp
Classification: Uncertain significance. Last evaluated: 2023-06-22. Review status: criteria provided, single submitter. Criteria: Invitae Variant Classification Sherloc (09022015). Collection method: clinical testing. Allele origin: germline.
Comment: This sequence change replaces leucine, which is neutral and non-polar, with proline, which is neutral and non-polar, at codon 14 of the GSN protein (p.Leu14Pro). This variant is not present in population databases (gnomAD no frequency). This variant has not been reported in the literature in individuals affected with GSN-related conditions. An algorithm developed to predict the effect of missense changes on protein structure and function (PolyPhen-2) suggests that this variant is likely to be disruptive. In summary, the available evidence is currently insufficient to determine the role of this variant in disease. Therefore, it has been classified as a Variant of Uncertain Significance.